The following is an entry in ClinVar:

NM_014908.4(DOLK):c.219C>G (p.Phe73Leu)

Gene: DOLK (dolichol kinase; minus strand). Cytogenetic location: 9q34.11.
Variant type: single nucleotide variant.
Coding change: c.219C>G on transcript NM_014908.4 (MANE Select); coding-DNA position 219, C replaced by G.
Protein change: p.Phe73Leu; replaces phenylalanine 73 with leucine.
Molecular consequence: missense variant.
Genome position (GRCh38, 1-based): chr9:128,947,085, G>C on the plus strand (C>G on the coding strand, the complement: DOLK is on the minus strand). VCF-style: chr9-128947085-G-C. GRCh37 (hg19) VCF-style: chr9-131709364-G-C.
Other names: short protein forms F73L.
Identifiers: ClinVar variation 365198 (VCV000365198.14), dbSNP rs761385789, ClinGen allele CA5271778.

ClinVar aggregate classification (germline): Uncertain significance. Review status: criteria provided, multiple submitters, no conflicts (2 of 4 stars). 4 submissions from 4 submitters: Uncertain significance (4). Last evaluated 2025-09-28.

Conditions:
DK1-congenital disorder of glycosylation. Also called: DK1-CDG; CDG Im; DK1 DEFICIENCY; DOLICHOL KINASE DEFICIENCY; CONGENITAL DISORDER OF GLYCOSYLATION, TYPE Im; DOLK-congenital disorder of glycosylation. Identifiers: Orphanet 91131, MedGen C1835849, MONDO:0012556, OMIM 610768.
Cardiovascular phenotype. Identifiers: MedGen CN230736.

Allele frequency attached by ClinVar (database versions not stated): ExAC 0.00001; TOPMed 0.00002.
gnomAD v4.1: 38 of 1,613,872 alleles (0.0024%); highest among the groups gnomAD compares: Non-Finnish European, 0.0031%; no homozygotes.

Submissions (4):

Ambry Genetics
Classification: Uncertain significance for Cardiovascular phenotype. Last evaluated: 2025-09-28. Review status: criteria provided, single submitter. Criteria: Ambry Variant Classification Scheme 2023. Collection method: clinical testing. Allele origin: germline.

Blueprint Genetics
Classification: Uncertain significance. Last evaluated: 2024-03-28. Review status: criteria provided, single submitter. Criteria: ACMG Guidelines, 2015. Collection method: clinical testing. Allele origin: germline.

Labcorp Genetics (formerly Invitae), Labcorp
Classification: Uncertain significance for DK1-congenital disorder of glycosylation. Last evaluated: 2022-07-23. Review status: criteria provided, single submitter. Criteria: Invitae Variant Classification Sherloc (09022015). Collection method: clinical testing. Allele origin: germline.
Comment: This sequence change replaces phenylalanine, which is neutral and non-polar, with leucine, which is neutral and non-polar, at codon 73 of the DOLK protein (p.Phe73Leu). In summary, the available evidence is currently insufficient to determine the role of this variant in disease. Therefore, it has been classified as a Variant of Uncertain Significance. Algorithms developed to predict the effect of missense changes on protein structure and function are either unavailable or do not agree on the potential impact of this missense change (SIFT: "Deleterious"; PolyPhen-2: "Benign"; Align-GVGD: "Class C0"). ClinVar contains an entry for this variant (Variation ID: 365198). This variant has not been reported in the literature in individuals affected with DOLK-related conditions. This variant is present in population databases (rs761385789, gnomAD 0.005%).

Illumina Laboratory Services, Illumina
Classification: Uncertain significance for DK1-congenital disorder of glycosylation. Last evaluated: 2018-01-12. Review status: criteria provided, single submitter. Criteria: ICSL Variant Classification Criteria 13 December 2019. Collection method: clinical testing. Allele origin: germline.